The following is an entry in ClinVar:

NM_000059.4(BRCA2):c.5722C>G (p.Leu1908Val)

Gene: BRCA2 (BRCA2 DNA repair associated; plus strand). Cytogenetic location: 13q13.1.
Variant type: single nucleotide variant.
Coding change: c.5722C>G on transcript NM_000059.4 (MANE Select); coding-DNA position 5722, C replaced by G.
Protein change: p.Leu1908Val; replaces leucine 1908 with valine.
Molecular consequence: missense variant.
Genome position (GRCh38, 1-based): chr13:32,340,077, C>G. VCF-style: chr13-32340077-C-G. GRCh37 (hg19) VCF-style: chr13-32914214-C-G.
Other names: short protein forms L1908V.
Identifiers: ClinVar variation 1038257 (VCV001038257.12), dbSNP rs878939010, ClinGen allele CA387786852.

ClinVar aggregate classification (germline): Conflicting classifications of pathogenicity. Review status: criteria provided, conflicting classifications (1 of 4 stars). 3 submissions from 3 submitters: Uncertain significance (2); Likely benign (1). Last evaluated 2023-08-30.

Conditions:
Hereditary cancer-predisposing syndrome. Also called: Neoplastic Syndromes, Hereditary; Hereditary Cancer Syndrome; Tumor predisposition; Hereditary neoplastic syndrome. Identifiers: Orphanet 140162, MedGen C0027672, MeSH D009386, MONDO:0015356.
Hereditary breast ovarian cancer syndrome. Also called: Hereditary breast and ovarian cancer syndrome; Hereditary breast and ovarian cancer syndrome (HBOC); BRCA1- and BRCA2-Associated Hereditary Breast and Ovarian Cancer; Hereditary breast and ovarian cancer; Hereditary breast and/or ovarian cancer syndrome; Breast and ovarian cancer. Identifiers: Orphanet 145, MedGen C0677776, MeSH D061325, MONDO:0003582. Disease mechanism: loss of function.

Submissions (3):

Labcorp Genetics (formerly Invitae), Labcorp
Classification: Uncertain significance for Hereditary breast ovarian cancer syndrome. Last evaluated: 2023-08-30. Review status: criteria provided, single submitter. Criteria: Invitae Variant Classification Sherloc (09022015). Collection method: clinical testing. Allele origin: germline.
Comment: In summary, the available evidence is currently insufficient to determine the role of this variant in disease. Therefore, it has been classified as a Variant of Uncertain Significance. Advanced modeling of protein sequence and biophysical properties (such as structural, functional, and spatial information, amino acid conservation, physicochemical variation, residue mobility, and thermodynamic stability) performed at Invitae indicates that this missense variant is not expected to disrupt BRCA2 protein function. ClinVar contains an entry for this variant (Variation ID: 1038257). This variant has not been reported in the literature in individuals affected with BRCA2-related conditions. This variant is not present in population databases (gnomAD no frequency). This sequence change replaces leucine, which is neutral and non-polar, with valine, which is neutral and non-polar, at codon 1908 of the BRCA2 protein (p.Leu1908Val).

University of Washington Department of Laboratory Medicine, University of Washington
Classification: Likely benign for Hereditary cancer-predisposing syndrome. Last evaluated: 2023-03-23. Review status: criteria provided, single submitter. Criteria: Dines et al. (Genet Med. 2020). Collection method: curation. Allele origin: germline.
Comment: Missense variant in a coldspot region where missense variants are very unlikely to be pathogenic (PMID:31911673).

BRCA2 exon 11 coldspot. Reclassification based on statistical prior probability.

Ambry Genetics
Classification: Uncertain significance for Hereditary cancer-predisposing syndrome. Last evaluated: 2022-10-14. Review status: criteria provided, single submitter. Criteria: Ambry Variant Classification Scheme 2023. Collection method: clinical testing. Allele origin: germline.
Comment: The p.L1908V variant (also known as c.5722C>G), located in coding exon 10 of the BRCA2 gene, results from a C to G substitution at nucleotide position 5722. The leucine at codon 1908 is replaced by valine, an amino acid with highly similar properties. This amino acid position is poorly conserved in available vertebrate species. In addition, this alteration is predicted to be tolerated by in silico analysis. Since supporting evidence is limited at this time, the clinical significance of this alteration remains unclear.